The following is an entry in ClinVar:

NM_005026.5(PIK3CD):c.1504C>T (p.His502Tyr)

Gene: PIK3CD (phosphatidylinositol-4,5-bisphosphate 3-kinase catalytic subunit delta; plus strand). Cytogenetic location: 1p36.22.
Variant type: single nucleotide variant.
Coding change: c.1504C>T on transcript NM_005026.5 (MANE Select); coding-DNA position 1504, C replaced by T.
Protein change: p.His502Tyr; replaces histidine 502 with tyrosine.
Molecular consequence: missense variant.
Genome position (GRCh38, 1-based): chr1:9,720,644, C>T. VCF-style: chr1-9720644-C-T. GRCh37 (hg19) VCF-style: chr1-9780702-C-T.
Other names: c.1504C>T, p.His502Tyr (NM_001350234.2); c.1417C>T, p.His473Tyr (NM_001350235.1); short protein forms H473Y, H502Y.
Identifiers: ClinVar variation 1719303 (VCV001719303.6), dbSNP rs2525024116, ClinGen allele CA338303658.

ClinVar aggregate classification (germline): Uncertain significance (1 of 4 stars; one submission).

Conditions:
Immunodeficiency 14 (IMD14A). Also called: IMMUNODEFICIENCY 14A WITH LYMPHOPROLIFERATION, AUTOSOMAL DOMINANT; p110-DELTA-ACTIVATING MUTATION CAUSING SENESCENT T CELLS, LYMPHADENOPATHY, AND IMMUNODEFICIENCY; ACTIVATED PI3K-DELTA SYNDROME 1; Activated PI3K Delta Syndrome Type 1 (APDS1). Identifiers: Orphanet 397596, Orphanet 693661, MedGen C5907821, MONDO:0014222, OMIM 615513.

Submission:

Labcorp Genetics (formerly Invitae), Labcorp
Classification: Uncertain significance for Activated PI3K-delta syndrome. Last evaluated: 2022-09-13. Review status: criteria provided, single submitter. Criteria: Invitae Variant Classification Sherloc (09022015). Collection method: clinical testing. Allele origin: germline.
Comment: This variant is not present in population databases (gnomAD no frequency). This sequence change replaces histidine, which is basic and polar, with tyrosine, which is neutral and polar, at codon 502 of the PIK3CD protein (p.His502Tyr). This variant has not been reported in the literature in individuals affected with PIK3CD-related conditions. In summary, the available evidence is currently insufficient to determine the role of this variant in disease. Therefore, it has been classified as a Variant of Uncertain Significance. Algorithms developed to predict the effect of sequence changes on RNA splicing suggest that this variant may create or strengthen a splice site. Advanced modeling of protein sequence and biophysical properties (such as structural, functional, and spatial information, amino acid conservation, physicochemical variation, residue mobility, and thermodynamic stability) performed at Invitae indicates that this missense variant is not expected to disrupt PIK3CD protein function.